The following is an entry in ClinVar:

NM_014727.3(KMT2B):c.3743G>A (p.Arg1248His)

Gene: KMT2B (lysine methyltransferase 2B; plus strand). Cytogenetic location: 19q13.12.
Variant type: single nucleotide variant.
Coding change: c.3743G>A on transcript NM_014727.3 (MANE Select); coding-DNA position 3743, G replaced by A.
Protein change: p.Arg1248His; replaces arginine 1248 with histidine.
Molecular consequence: missense variant.
Genome position (GRCh38, 1-based): chr19:35,725,579, G>A. VCF-style: chr19-35725579-G-A. GRCh37 (hg19) VCF-style: chr19-36216480-G-A.
Other names: c.3743G>A (NM_014727.2); short protein forms R1248H.
Identifiers: ClinVar variation 2574120 (VCV002574120.2), dbSNP rs1455923485, ClinGen allele CA405410370.
Genomic context (GRCh38, chr19:35,725,579, plus strand): 5'-TCTGCCTGGAGGAGGCCGAGCGGCCCCTGCCCCAGCATCACGACACCTGGTGCTGCCGTC[G>A]CTGCAAATTCTGCCACGTCTGTGGACGCAAAGGTCGTGGATCCAAGGTTTGGGCCCAAGG-3'
Protein context (NP_055542.1, residues 1238-1258): PQHHDTWCCR[Arg1248His]CKFCHVCGRK

ClinVar aggregate classification (germline): Uncertain significance. Review status: criteria provided, multiple submitters, no conflicts (2 of 4 stars). 2 submissions from 2 submitters: Uncertain significance (2). Last evaluated 2023-07-31.

Conditions:
Intellectual developmental disorder, autosomal dominant 68 (MRD68). Also called: MENTAL RETARDATION, AUTOSOMAL DOMINANT 68. Identifiers: MedGen C5677008, MONDO:0030969, OMIM 619934.

gnomAD v4.1: 2 of 1,610,188 alleles (0.00012%); highest among the groups gnomAD compares: Non-Finnish European, 0.000085%; no homozygotes.

Submissions (2):

Institute of Medical Genetics and Applied Genomics, University Hospital Tübingen
Classification: Uncertain significance for Intellectual developmental disorder, autosomal dominant 68. Last evaluated: 2023-07-31. Review status: criteria provided, single submitter. Criteria: ACMG Guidelines, 2015. Collection method: clinical testing. Allele origin: de novo. Inheritance: Autosomal dominant inheritance. Affected: yes.

GeneDx
Classification: Uncertain significance. Last evaluated: 2023-05-17. Review status: criteria provided, single submitter. Criteria: GeneDx Variant Classification Process June 2021. Collection method: clinical testing. Allele origin: germline. Affected: yes.
Comment: Not observed at significant frequency in large population cohorts (gnomAD); In silico analysis supports that this missense variant has a deleterious effect on protein structure/function; Has not been previously published as pathogenic or benign to our knowledge